The following is an entry in ClinVar:

ClinVar aggregate classification (germline): Uncertain significance. Review status: criteria provided, multiple submitters, no conflicts (2 of 4 stars). 2 submissions from 2 submitters: Uncertain significance (2). Last evaluated 2017-02-15.

Conditions:
Marfan syndrome (MFS). Also called: MARFAN SYNDROME, TYPE I; FBN1-Related Marfan Syndrome; Marfan syndrome type 1; Marfan's syndrome; Marfan syndrome, classic. Identifiers: Orphanet 284963, Orphanet 558, MedGen C0024796, MONDO:0007947, OMIM 154700.
Familial thoracic aortic aneurysm and aortic dissection (TAAD). Also called: Thoracic aortic aneurysms and dissections. Identifiers: Orphanet 91387, MedGen C4707243, MONDO:0019625.

Submissions (2):

Labcorp Genetics (formerly Invitae), Labcorp
Classification: Uncertain significance for Marfan syndrome; Familial thoracic aortic aneurysm and aortic dissection. Last evaluated: 2017-02-15. Review status: criteria provided, single submitter. Criteria: Invitae Variant Classification Sherloc (09022015). Collection method: clinical testing. Allele origin: germline.
Comment: In summary, this variant is a novel missense change with uncertain impact on protein function. It has been classified as a Variant of Uncertain Significance. Algorithms developed to predict the effect of sequence changes on RNA splicing suggest that this variant may alter RNA splicing, but this prediction has not been confirmed by published transcriptional studies. This variant is not present in population databases (ExAC no frequency) and has not been reported in the literature in individuals with a FBN1-related disease. This sequence change replaces glycine with serine at codon 1919 of the FBN1 protein (p.Gly1919Ser). The glycine residue is highly conserved and there is a small physicochemical difference between glycine and serine. Algorithms developed to predict the effect of missense changes on protein structure and function do not agree on the potential impact of this missense change (SIFT: "Deleterious"; PolyPhen-2: "Possibly Damaging"; Align-GVGD: "Class C0").

Women's Health and Genetics/Laboratory Corporation of America, LabCorp
Classification: Uncertain significance. Last evaluated: 2016-08-30. Review status: criteria provided, single submitter. Criteria: LabCorp Variant Classification Summary - May 2015. Collection method: clinical testing. Allele origin: germline.
Comment: Variant summary: The FBN1 c.5755G>A (p.Gly1919Ser) variant involves the alteration of a conserved nucleotide. 3/3 in silico tools predict a damaging outcome for this variant (SNPs&GO not captured due to low reliability index). This variant is absent in 121146 control chromosomes. The variant of interest has not, to our knowledge, been reported in affected individuals via publications and/or reputable databases/clinical diagnostic laboratories; nor evaluated for functional impact by in vivo/vitro studies. Because of the absence of clinical information and the lack of functional studies, the variant is classified as a variant of uncertain significance (VUS) until additional information becomes available.

NM_000138.5(FBN1):c.5755G>A (p.Gly1919Ser)

Gene: FBN1 (fibrillin 1; minus strand). Cytogenetic location: 15q21.1.
Variant type: single nucleotide variant.
Coding change: c.5755G>A on transcript NM_000138.5 (MANE Select); coding-DNA position 5755, G replaced by A.
Protein change: p.Gly1919Ser; replaces glycine 1919 with serine.
Molecular consequence: missense variant.
Genome position (GRCh38, 1-based): chr15:48,446,739, C>T on the plus strand (G>A on the coding strand, the complement: FBN1 is on the minus strand). VCF-style: chr15-48446739-C-T. GRCh37 (hg19) VCF-style: chr15-48738936-C-T.
Other names: short protein forms G1919S.
Identifiers: ClinVar variation 457233 (VCV000457233.8), dbSNP rs867549163, ClinGen allele CA392341141.
Genomic context (GRCh38, chr15:48,446,739, plus strand): 5'-TGCTGATGCACAATTTTGCACACGCACCTATACAGTCATTGTTGTGAGAAAGGATGAAAC[C>T]ATGATTGCAGCGGCAGTTGAAGGAACCAATTGTGTTCCGGCAAGTTCCATTCCCACAGGC-3'
Protein context (NP_000129.3, residues 1909-1929): IGSFNCRCNH[Gly1919Ser]FILSHNNDCI